The following is an entry in ClinVar:

ClinVar aggregate classification (germline): Likely benign. Review status: criteria provided, single submitter (1 of 4 stars). 2 submissions from 2 submitters: Likely benign (1). 1 of the submissions does not count toward it. Last evaluated 2024-11-26.

Conditions:
PDE4D-related disorder. Also called: PDE4D-related condition.

Allele frequency attached by ClinVar (database versions not stated): gnomAD 0.00056; TOPMed 0.00060; ESP Exome Variant Server 0.00049; gnomAD exomes 0.00063; ExAC 0.00025.
gnomAD v4.1: 990 of 1,599,214 alleles (0.062%); highest among the groups gnomAD compares: Middle Eastern, 0.36%; 1 homozygote.

Submissions (2):

Blueprint Genetics
Classification: Likely benign. Last evaluated: 2024-11-26. Review status: criteria provided, single submitter. Criteria: ACMG Guidelines, 2015. Collection method: clinical testing. Allele origin: germline.

PreventionGenetics, part of Exact Sciences
Classification: Likely benign for PDE4D-related condition. Last evaluated: 2022-06-29. Review status: no assertion criteria provided. Collection method: clinical testing. Allele origin: germline. Not counted in ClinVar's aggregate classification.
Comment: This variant is classified as likely benign based on ACMG/AMP sequence variant interpretation guidelines (Richards et al. 2015 PMID: 25741868, with internal and published modifications).

NM_001349241.2(PDE4D):c.79C>A (p.Leu27Ile)

Gene: PDE4D (phosphodiesterase 4D; minus strand). Cytogenetic location: 5q12.1.
Variant type: single nucleotide variant.
Coding change: c.79C>A on transcript NM_001349241.2; coding-DNA position 79, C replaced by A.
Protein change: p.Leu27Ile; replaces leucine 27 with isoleucine.
Molecular consequence: missense variant. On other transcripts: 5 prime UTR variant (1).
Genome position (GRCh38, 1-based): chr5:59,988,651, G>T on the plus strand (C>A on the coding strand, the complement: PDE4D is on the minus strand). VCF-style: chr5-59988651-G-T. GRCh37 (hg19) VCF-style: chr5-59284478-G-T.
Other names: c.109C>A, p.Leu37Ile (NM_001165899.2, NM_001364599.1, NM_001364600.2); c.-403C>A (NM_001349243.2); short protein forms L27I, L37I.
Identifiers: ClinVar variation 3050778 (VCV003050778.3), dbSNP rs201710626, ClinGen allele CA3276741.